The following is an entry in ClinVar:

NM_000238.4(KCNH2):c.1877G>C (p.Gly626Ala)

Gene: KCNH2 (potassium voltage-gated channel subfamily H member 2; minus strand). Cytogenetic location: 7q36.1.
Variant type: single nucleotide variant.
Coding change: c.1877G>C on transcript NM_000238.4 (MANE Select); coding-DNA position 1877, G replaced by C.
Protein change: p.Gly626Ala; replaces glycine 626 with alanine.
Molecular consequence: missense variant.
Genome position (GRCh38, 1-based): chr7:150,951,516, C>G on the plus strand (G>C on the coding strand, the complement: KCNH2 is on the minus strand). VCF-style: chr7-150951516-C-G. GRCh37 (hg19) VCF-style: chr7-150648604-C-G.
Other names: c.1877G>C (LRG_288t1); c.857G>C, p.Gly286Ala (NM_001204798.2, NM_172057.3); c.1589G>C, p.Gly530Ala (NM_001406753.1, NM_001406756.1); c.1700G>C, p.Gly567Ala (NM_001406755.1); c.1577G>C, p.Gly526Ala (NM_001406757.1); c.1877G>C, p.Gly626Ala (NM_172056.3); short protein forms G286A, G626A, G526A, G530A, G567A.
Identifiers: ClinVar variation 67306 (VCV000067306.4), dbSNP rs199472952, ClinGen allele CA005758.

ClinVar aggregate classification (germline): Likely pathogenic. Review status: criteria provided, single submitter (1 of 4 stars). 2 submissions from 2 submitters: Likely pathogenic (1). 1 of the submissions does not count toward it.

Conditions:
Familial long QT syndrome (RWS). Also called: Congenital long QT syndrome; Romano-Ward syndrome; VENTRICULAR FIBRILLATION WITH PROLONGED QT INTERVAL. Identifiers: Orphanet 768, MedGen C1141890, MONDO:0019171.
Long QT syndrome 2 (LQT2). Identifiers: Orphanet 101016, Orphanet 768, MedGen C3150943, MONDO:0013367, OMIM 613688.

Submissions (2):

Petrovsky National Research Centre of Surgery, The Federal Agency for Scientific Organizations
Classification: Likely pathogenic for Long QT syndrome 2. Review status: criteria provided, single submitter. Criteria: ACMG Guidelines, 2015. Collection method: clinical testing. Allele origin: germline. Affected: yes.
Comment: This variant has been reported in study (PMID: 16414944) in patients with LQTS phenotypes. This variant is absent in The Genome Aggregation Database (gnomAD) v4.1.0 (Date of access 01-06-2026). In accordance with ACMG (2015) criteria this variant is classified as Likely Pathogenic (LP) with following criteria selected: PM1_strong, PM2, PM5, PP3.

Cardiovascular Biomedical Research Unit, Royal Brompton & Harefield NHS Foundation Trust
No classification provided. Condition: Familial long QT syndrome. Review status: no classification provided. Collection method: literature only. Allele origin: germline. Not counted in ClinVar's aggregate classification.
Comment: This variant has been reported as associated with Long QT syndrome in the following publications (PMID:16414944). This is a literature report, and does not necessarily reflect the clinical interpretation of the Imperial College / Royal Brompton Cardiovascular Genetics laboratory.

Literature cited by the submitters: PubMed 16414944 (cited by Petrovsky National Research Centre of Surgery, The Federal Agency for Scientific Organizations and Cardiovascular Biomedical Research Unit, Royal Brompton & Harefield NHS Foundation Trust); PubMed 22581653 (cited by Cardiovascular Biomedical Research Unit, Royal Brompton & Harefield NHS Foundation Trust).